The following is an entry in ClinVar:

NM_144997.7(FLCN):c.107_108dup (p.Asp37fs)

Gene: FLCN (folliculin; minus strand). Cytogenetic location: 17p11.2.
Variant type: Duplication.
Coding change: c.107_108dup on transcript NM_144997.7 (MANE Select); coding-DNA positions 107 to 108, 2 bases duplicated (AG; older notation c.107_108dupAG).
Protein change: p.Asp37fs; shifts the reading frame from aspartic acid 37.
Molecular consequence: frameshift variant.
Genome position (GRCh38, 1-based): chr17:17,228,030-17,228,031, CT duplicated on the plus strand (AG on the coding strand, the reverse complement: FLCN is on the minus strand); duplicating any 2 consecutive bases within chr17:17,228,030-17,228,032 gives the same sequence; the c. name uses the placement nearest the transcript's 3' end. VCF-style (leftmost placement, unchanged base first): chr17-17228029-C-CCT. GRCh37 (hg19) VCF-style: chr17-17131343-C-CCT.
Other names: c.107_108dup, p.Asp37fs (NM_001353229.2, NM_001353230.2, NM_001353231.2 and 1 more transcripts); short protein forms D37fs.
Identifiers: ClinVar variation 2840186 (VCV002840186.3), dbSNP rs2544311791, ClinGen allele CA2739265569.
Genomic context (GRCh38, chr17:17,228,029, plus strand): 5'-GACTGTTCATCTGAATGCCACCTTCCTCTTCTTCCGCCTGCTCACCCTGGCCAGGACTGT[C>CCT]CTCATTCCCATCCCCTTGAGGAAGTGGGGCGTGCAGCACCTCCGTGCAGAAGAGAGTGCG-3'

ClinVar aggregate classification (germline): Pathogenic (1 of 4 stars; one submission).

Conditions:
Birt-Hogg-Dube syndrome. Also called: Birt Hogg Dubé syndrome. Identifiers: Orphanet 122, MedGen C0346010, MONDO:0800444.

Submission:

Labcorp Genetics (formerly Invitae), Labcorp
Classification: Pathogenic for Birt-Hogg-Dube syndrome. Last evaluated: 2023-02-23. Review status: criteria provided, single submitter. Criteria: Invitae Variant Classification Sherloc (09022015). Collection method: clinical testing. Allele origin: germline.
Comment: For these reasons, this variant has been classified as Pathogenic. This variant has not been reported in the literature in individuals affected with FLCN-related conditions. This variant is not present in population databases (gnomAD no frequency). This sequence change creates a premature translational stop signal (p.Asp37Argfs*19) in the FLCN gene. It is expected to result in an absent or disrupted protein product. Loss-of-function variants in FLCN are known to be pathogenic (PMID: 15852235).

Literature cited by the submitters: PubMed 15852235.